The following is an entry in ClinVar:

ClinVar aggregate classification (germline): Uncertain significance. Review status: criteria provided, multiple submitters, no conflicts (2 of 4 stars). 2 submissions from 2 submitters: Uncertain significance (2). Last evaluated 2022-11-01.

Conditions:
Inborn genetic diseases. Identifiers: MedGen C0950123, MeSH D030342.

Allele frequency attached by ClinVar (database versions not stated): ExAC 0.00002; TOPMed 0.00006.
gnomAD v4.1: 22 of 1,613,794 alleles (0.0014%); highest among the groups gnomAD compares: Admixed American, 0.018%; no homozygotes.

Submissions (2):

Labcorp Genetics (formerly Invitae), Labcorp
Classification: Uncertain significance. Last evaluated: 2022-11-01. Review status: criteria provided, single submitter. Criteria: Invitae Variant Classification Sherloc (09022015). Collection method: clinical testing. Allele origin: germline.
Comment: This sequence change replaces aspartic acid, which is acidic and polar, with glutamic acid, which is acidic and polar, at codon 1789 of the TRIOBP protein (p.Asp1789Glu). This variant is present in population databases (rs778567541, gnomAD 0.01%). This variant has not been reported in the literature in individuals affected with TRIOBP-related conditions. Algorithms developed to predict the effect of missense changes on protein structure and function are either unavailable or do not agree on the potential impact of this missense change (SIFT: "Deleterious"; PolyPhen-2: "Probably Damaging"; Align-GVGD: "Class C0"). In summary, the available evidence is currently insufficient to determine the role of this variant in disease. Therefore, it has been classified as a Variant of Uncertain Significance.

Ambry Genetics
Classification: Uncertain significance for Inborn genetic diseases. Last evaluated: 2022-05-01. Review status: criteria provided, single submitter. Criteria: Ambry Variant Classification Scheme 2023. Collection method: clinical testing. Allele origin: germline.

NM_001039141.3(TRIOBP):c.5367C>G (p.Asp1789Glu)

Genes: TRIOBP (TRIO and F-actin binding protein; plus strand), LOC126863144 (CDK7 strongly-dependent group 2 enhancer GRCh37_chr22:38147547-38148746; plus strand). Cytogenetic location: 22q13.1.
Variant type: single nucleotide variant.
Coding change: c.5367C>G on transcript NM_001039141.3 (MANE Select); coding-DNA position 5367, C replaced by G.
Protein change: p.Asp1789Glu; replaces aspartic acid 1789 with glutamic acid.
Molecular consequence: missense variant.
Genome position (GRCh38, 1-based): chr22:37,751,816, C>G. VCF-style: chr22-37751816-C-G. GRCh37 (hg19) VCF-style: chr22-38147823-C-G.
Other names: c.228C>G, p.Asp76Glu (NM_007032.5, NM_138632.2); short protein forms D76E, D1789E.
Identifiers: ClinVar variation 2068946 (VCV002068946.5), dbSNP rs778567541, ClinGen allele CA10224650.